The following is an entry in ClinVar:

ClinVar aggregate classification (germline): Uncertain significance. Review status: criteria provided, multiple submitters, no conflicts (2 of 4 stars). 2 submissions from 2 submitters: Uncertain significance (2). Last evaluated 2026-06-15.

Conditions:
Cardiovascular phenotype. Identifiers: MedGen CN230736.
Long QT syndrome (LQTS). Identifiers: MedGen C0023976, MeSH D008133, MONDO:0002442. Disease mechanism: loss of function. Inheritance: Various modes of inheritance.

Allele frequency attached by ClinVar (database versions not stated): gnomAD 0.00001; TOPMed below 0.00001; gnomAD exomes below 0.00001.
gnomAD v4.1: 6 of 1,614,048 alleles (0.00037%); highest among the groups gnomAD compares: East Asian, 0.0022%; no homozygotes.

Submissions (2):

Ambry Genetics
Classification: Uncertain significance for Cardiovascular phenotype. Last evaluated: 2026-06-15. Review status: criteria provided, single submitter. Criteria: Ambry Variant Classification Scheme 2023. Collection method: clinical testing. Allele origin: germline.
Comment: The p.S919G variant (also known as c.2755A>G), located in coding exon 25 of the ANK2 gene, results from an A to G substitution at nucleotide position 2755. The serine at codon 919 is replaced by glycine, an amino acid with similar properties. This amino acid position is conserved. In addition, the in silico prediction for this alteration is inconclusive. Based on the available evidence, the clinical significance of this variant remains unclear.

Labcorp Genetics (formerly Invitae), Labcorp
Classification: Uncertain significance for Long QT syndrome. Last evaluated: 2021-06-11. Review status: criteria provided, single submitter. Criteria: Invitae Variant Classification Sherloc (09022015). Collection method: clinical testing. Allele origin: germline.
Comment: This sequence change replaces serine with glycine at codon 919 of the ANK2 protein (p.Ser919Gly). The serine residue is moderately conserved and there is a small physicochemical difference between serine and glycine. This variant is not present in population databases (ExAC no frequency). This variant has not been reported in the literature in individuals with ANK2-related conditions. Algorithms developed to predict the effect of missense changes on protein structure and function (SIFT, PolyPhen-2, Align-GVGD) all suggest that this variant is likely to be tolerated, but these predictions have not been confirmed by published functional studies and their clinical significance is uncertain. In summary, the available evidence is currently insufficient to determine the role of this variant in disease. Therefore, it has been classified as a Variant of Uncertain Significance.

NM_001148.6(ANK2):c.2755A>G (p.Ser919Gly)

Gene: ANK2 (ankyrin 2; plus strand). Cytogenetic location: 4q26.
Variant type: single nucleotide variant.
Coding change: c.2755A>G on transcript NM_001148.6 (MANE Select); coding-DNA position 2755, A replaced by G.
Protein change: p.Ser919Gly; replaces serine 919 with glycine.
Molecular consequence: missense variant.
Genome position (GRCh38, 1-based): chr4:113,317,768, A>G. VCF-style: chr4-113317768-A-G. GRCh37 (hg19) VCF-style: chr4-114238924-A-G.
Other names: c.2569A>G, p.Ser857Gly (NM_001354260.2, NM_001354271.2, NM_001386151.1); c.2713A>G, p.Ser905Gly (NM_001354261.2, NM_001386147.1); c.2692A>G, p.Ser898Gly (NM_001354262.2, NM_001354275.2, NM_001354243.2 and 3 more transcripts); c.2653A>G, p.Ser885Gly (NM_001354274.2, NM_001386154.1, NM_001386142.1); c.2668A>G, p.Ser890Gly (NM_001354276.2, NM_001386153.1, NM_001386162.1 and 7 more transcripts); c.2470A>G, p.Ser824Gly (NM_001354277.2, NM_001386157.1); c.382A>G, p.Ser128Gly (NM_001354278.2, NM_001354279.2, NM_001354280.2 and 2 more transcripts); c.2593A>G, p.Ser865Gly (NM_001386156.1, NM_001354270.2, NM_001354253.2 and 1 more transcripts); and 18 more; short protein forms S791G, S848G, S890G, S918G, S923G, S934G, S954G, S128G.
Identifiers: ClinVar variation 1418622 (VCV001418622.9), dbSNP rs1215559209, ClinGen allele CA357930678.
Genomic context (GRCh38, chr4:113,317,768, plus strand): 5'-CTTCGATCCTTCAGTTCCGACAGGTCTCACACTCTGAGCCATGCCTCCTACCTGAGGGAC[A>G]GTGCCGTGATGGATGACTCAGTTGTGATTCCCAGTCACCAGGTATGTGACATTTTGCCTT-3'
Protein context (NP_001139.3, residues 909-929): TLSHASYLRD[Ser919Gly]AVMDDSVVIP